The following is an entry in ClinVar:

ClinVar aggregate classification (germline): Likely pathogenic (1 of 4 stars; one submission).

Conditions:
Developmental and epileptic encephalopathy, 32 (DEE32). Also called: Epileptic encephalopathy, early infantile, 32. Identifiers: Orphanet 442835, MedGen C4225350, MONDO:0014607, OMIM 616366.

Submission:

Labcorp Genetics (formerly Invitae), Labcorp
Classification: Likely pathogenic for Developmental and epileptic encephalopathy, 32. Last evaluated: 2021-12-02. Review status: criteria provided, single submitter. Criteria: Invitae Variant Classification Sherloc (09022015). Collection method: clinical testing. Allele origin: germline.
Comment: In summary, the currently available evidence indicates that the variant is pathogenic, but additional data are needed to prove that conclusively. Therefore, this variant has been classified as Likely Pathogenic. This variant disrupts the p.Pro407 amino acid residue in KCNA2. Other variant(s) that disrupt this residue have been determined to be pathogenic (Invitae). This suggests that this residue is clinically significant, and that variants that disrupt this residue are likely to be disease-causing. Advanced modeling of protein sequence and biophysical properties (such as structural, functional, and spatial information, amino acid conservation, physicochemical variation, residue mobility, and thermodynamic stability) performed at Invitae indicates that this missense variant is expected to disrupt KCNA2 protein function. ClinVar contains an entry for this variant (Variation ID: 999097). This missense change has been observed in individual(s) with clinical features of autosomal dominant developmental and epileptic encephalopathy (Invitae). This variant is not present in population databases (gnomAD no frequency). This sequence change replaces proline, which is neutral and non-polar, with serine, which is neutral and polar, at codon 407 of the KCNA2 protein (p.Pro407Ser).

NM_004974.4(KCNA2):c.1219C>T (p.Pro407Ser)

Gene: KCNA2 (potassium voltage-gated channel subfamily A member 2; minus strand). Cytogenetic location: 1p13.3.
Variant type: single nucleotide variant.
Coding change: c.1219C>T on transcript NM_004974.4 (MANE Select); coding-DNA position 1219, C replaced by T.
Protein change: p.Pro407Ser; replaces proline 407 with serine.
Molecular consequence: missense variant. On other transcripts: intron variant (1).
Genome position (GRCh38, 1-based): chr1:110,603,564, G>A on the plus strand (C>T on the coding strand, the complement: KCNA2 is on the minus strand). VCF-style: chr1-110603564-G-A. GRCh37 (hg19) VCF-style: chr1-111146186-G-A.
Other names: c.894+325C>T (NM_001204269.2); short protein forms P407S.
Identifiers: ClinVar variation 999097 (VCV000999097.7), dbSNP rs1557731896, ClinGen allele CA341601268.
Genomic context (GRCh38, chr1:110,603,564, plus strand): 5'-CCTGTTCCTCTCCCTCTGTCTCCCGGTGGTAGAAGTAGTTGAAATTGGACACAATGACAG[G>A]GACCGGTAAGGCAATAGTTAACACACCTGCAATCGCACATAGGGAACCCACTATCTTTCC-3'
Protein context (NP_004965.1, residues 397-417): AGVLTIALPV[Pro407Ser]VIVSNFNYFY